The following is an entry in ClinVar:

NM_030665.4(RAI1):c.1911C>G (p.Ser637Arg)

Gene: RAI1 (retinoic acid induced 1; plus strand). Cytogenetic location: 17p11.2.
Variant type: single nucleotide variant.
Coding change: c.1911C>G on transcript NM_030665.4 (MANE Select); coding-DNA position 1911, C replaced by G.
Protein change: p.Ser637Arg; replaces serine 637 with arginine.
Molecular consequence: missense variant.
Genome position (GRCh38, 1-based): chr17:17,794,859, C>G. VCF-style: chr17-17794859-C-G. GRCh37 (hg19) VCF-style: chr17-17698173-C-G.
Other names: c.1911C>G (NM_030665.3); short protein forms S637R.
Identifiers: ClinVar variation 2824351 (VCV002824351.5), dbSNP rs1396985392, ClinGen allele CA398549462.

ClinVar aggregate classification (germline): Uncertain significance. Review status: criteria provided, multiple submitters, no conflicts (2 of 4 stars). 3 submissions from 3 submitters: Uncertain significance (2). 1 of the submissions does not count toward it. Last evaluated 2024-12-25.

Conditions:
Inborn genetic diseases. Identifiers: MedGen C0950123, MeSH D030342.
RAI1-related disorder. Also called: RAI1-related condition.

Allele frequency attached by ClinVar (database versions not stated): TOPMed below 0.00001; gnomAD 0.00001.
gnomAD v4.1: 4 of 1,613,182 alleles (0.00025%); highest among the groups gnomAD compares: Admixed American, 0.0067%; no homozygotes.

Submissions (3):

Ambry Genetics
Classification: Uncertain significance for Inborn genetic diseases. Last evaluated: 2024-12-25. Review status: criteria provided, single submitter. Criteria: Ambry Variant Classification Scheme 2023. Collection method: clinical testing. Allele origin: germline.

Labcorp Genetics (formerly Invitae), Labcorp
Classification: Uncertain significance. Last evaluated: 2023-05-04. Review status: criteria provided, single submitter. Criteria: Invitae Variant Classification Sherloc (09022015). Collection method: clinical testing. Allele origin: germline.
Comment: This variant has not been reported in the literature in individuals affected with RAI1-related conditions. In summary, the available evidence is currently insufficient to determine the role of this variant in disease. Therefore, it has been classified as a Variant of Uncertain Significance. Advanced modeling of protein sequence and biophysical properties (such as structural, functional, and spatial information, amino acid conservation, physicochemical variation, residue mobility, and thermodynamic stability) performed at Invitae indicates that this missense variant is not expected to disrupt RAI1 protein function. This variant is present in population databases (no rsID available, gnomAD 0.003%). This sequence change replaces serine, which is neutral and polar, with arginine, which is basic and polar, at codon 637 of the RAI1 protein (p.Ser637Arg).

PreventionGenetics, part of Exact Sciences
Classification: Uncertain significance for RAI1-related condition. Last evaluated: 2024-08-23. Review status: no assertion criteria provided. Collection method: clinical testing. Allele origin: germline. Not counted in ClinVar's aggregate classification.
Comment: The RAI1 c.1911C>G variant is predicted to result in the amino acid substitution p.Ser637Arg. To our knowledge, this variant has not been reported in the literature. This variant is reported in 0.0029% of alleles in individuals of Latino descent in gnomAD. At this time, the clinical significance of this variant is uncertain due to the absence of conclusive functional and genetic evidence.